The following is an entry in ClinVar:

ClinVar aggregate classification (germline): Pathogenic (1 of 4 stars; one submission).

Conditions:
Intellectual developmental disorder, X-linked 1. Also called: Atkin Flaitz Patil Smith syndrome; Intellectual disability, X-linked 1; MENTAL RETARDATION, X-LINKED 18; MENTAL RETARDATION, X-LINKED 78. Identifiers: Orphanet 777, MedGen C2931498, MONDO:0010656, OMIM 309530.

Submission:

Labcorp Genetics (formerly Invitae), Labcorp
Classification: Pathogenic for Intellectual developmental disorder, X-linked 1. Last evaluated: 2021-01-21. Review status: criteria provided, single submitter. Criteria: Invitae Variant Classification Sherloc (09022015). Collection method: clinical testing. Allele origin: germline.
Comment: This sequence change creates a premature translational stop signal (p.Lys236Asnfs*21) in the IQSEC2 gene. It is expected to result in an absent or disrupted protein product. Loss-of-function variants in IQSEC2 are known to be pathogenic (PMID: 21686261, 26793055, 27665735). This variant is not present in population databases (ExAC no frequency). This variant has not been reported in the literature in individuals with IQSEC2-related conditions. Algorithms developed to predict the effect of sequence changes on RNA splicing suggest that this variant may disrupt the consensus splice site, but this prediction has not been confirmed by published transcriptional studies. For these reasons, this variant has been classified as Pathogenic.

Literature cited by the submitters: PubMed 21686261; PubMed 26793055; PubMed 27665735.

NM_001111125.3(IQSEC2):c.705delA (p.Lys236fs)

Gene: IQSEC2 (IQ motif and Sec7 domain ArfGEF 2; minus strand). Cytogenetic location: Xp11.22.
Variant type: Deletion.
Coding change: c.705delA on transcript NM_001111125.3 (MANE Select); coding-DNA position 705, one base deleted (A).
Protein change: p.Lys236fs; shifts the reading frame from lysine 236.
Molecular consequence: frameshift variant.
Genome position (GRCh38, 1-based): chrX:53,320,417, T deleted on the plus strand (A on the coding strand, the reverse complement: IQSEC2 is on the minus strand); the first of 3 consecutive T bases (chrX:53,320,417-53,320,419); deleting any one gives the same sequence. VCF-style (leftmost placement, unchanged base first): chrX-53320416-CT-C. GRCh37 (hg19) VCF-style: chrX-53349614-CT-C.
Other names: short protein forms K236fs.
Identifiers: ClinVar variation 1361147 (VCV001361147.6), dbSNP rs2146547822, ClinGen allele CA2573158934.